The following is an entry in ClinVar:

ClinVar aggregate classification (germline): Uncertain significance (1 of 4 stars; one submission).

Conditions:
Joubert-orofaciodigital syndrome.

Allele frequency attached by ClinVar (database versions not stated): gnomAD exomes below 0.00001 and 0.00001; gnomAD 0.00001; TOPMed 0.00001; ExAC 0.00002; ESP Exome Variant Server 0.00008; 1000 Genomes Project 30x 0.00016; 1000 Genomes Project 0.00020.
gnomAD v4.1: 2 of 1,613,152 alleles (0.00012%); highest among the groups gnomAD compares: African/African-American, 0.0013%; no homozygotes.

Submission:

Illumina Laboratory Services, Illumina
Classification: Uncertain significance for Joubert-orofaciodigital syndrome. Last evaluated: 2021-01-19. Review status: criteria provided, single submitter. Criteria: ICSLVariantClassificationCriteria RUGD 01 April 2020. Collection method: clinical testing. Allele origin: unknown.
Comment: The CPLANE1 c.8837T>C (p.Met2946Thr) variant is a missense variant. A literature search was performed for the gene, cDNA change, and amino acid change. No publications were found based on this search. This variant is found at a frequency of 0.0001234 in the African/African American population of the Genome Aggregation Database, but this is based on two alleles in a region of good sequence coverage so the variant is presumed to be rare. Based on the limited evidence, the p.Met2946Thr variant is classified as a variant of uncertain significance for Joubert-orofaciodigital syndrome.

NM_001384732.1(CPLANE1):c.8999T>C (p.Met3000Thr)

Gene: CPLANE1 (ciliogenesis and planar polarity effector complex subunit 1; minus strand). Cytogenetic location: 5p13.2.
Variant type: single nucleotide variant.
Coding change: c.8999T>C on transcript NM_001384732.1 (MANE Select); coding-DNA position 8999, T replaced by C.
Protein change: p.Met3000Thr; replaces methionine 3000 with threonine.
Molecular consequence: missense variant.
Genome position (GRCh38, 1-based): chr5:37,122,448, A>G on the plus strand (T>C on the coding strand, the complement: CPLANE1 is on the minus strand). VCF-style: chr5-37122448-A-G. GRCh37 (hg19) VCF-style: chr5-37122550-A-G.
Other names: c.8837T>C, p.Met2946Thr (NM_023073.4); short protein forms M2946T, M3000T.
Identifiers: ClinVar variation 1199245 (VCV001199245.4), dbSNP rs148987541, ClinGen allele CA3237602.